The following is an entry in ClinVar:

NM_001379200.1(TBX1):c.1417G>T (p.Ala473Ser)

Gene: TBX1 (T-box transcription factor 1; plus strand). Cytogenetic location: 22q11.21.
Variant type: single nucleotide variant.
Coding change: c.1417G>T on transcript NM_001379200.1 (MANE Select); coding-DNA position 1417, G replaced by T.
Protein change: p.Ala473Ser; replaces alanine 473 with serine.
Molecular consequence: missense variant. On other transcripts: intron variant (2).
Genome position (GRCh38, 1-based): chr22:19,766,769, G>T. VCF-style: chr22-19766769-G-T. GRCh37 (hg19) VCF-style: chr22-19754292-G-T.
Other names: c.1390G>T, p.Ala464Ser (NM_080647.1); c.1009+767G>T (NM_005992.1, NM_080646.2); short protein forms A473S, A464S.
Identifiers: ClinVar variation 2694864 (VCV002694864.3), dbSNP rs2517859500, ClinGen allele CA410685412.

ClinVar aggregate classification (germline): Uncertain significance (1 of 4 stars; one submission).

Conditions:
DiGeorge syndrome. Also called: THIRD AND FOURTH PHARYNGEAL POUCH SYNDROME; Catch22. Identifiers: Orphanet 567, MedGen C0012236, MONDO:0008564, OMIM 188400.

Submission:

Labcorp Genetics (formerly Invitae), Labcorp
Classification: Uncertain significance for DiGeorge syndrome. Last evaluated: 2024-01-29. Review status: criteria provided, single submitter. Criteria: Invitae Variant Classification Sherloc (09022015). Collection method: clinical testing. Allele origin: germline.
Comment: This sequence change replaces alanine, which is neutral and non-polar, with serine, which is neutral and polar, at codon 464 of the TBX1 protein (p.Ala464Ser). This variant is not present in population databases (gnomAD no frequency). This variant has not been reported in the literature in individuals affected with TBX1-related conditions. An algorithm developed to predict the effect of missense changes on protein structure and function (PolyPhen-2) suggests that this variant is likely to be tolerated. In summary, the available evidence is currently insufficient to determine the role of this variant in disease. Therefore, it has been classified as a Variant of Uncertain Significance.